The following is an entry in ClinVar:

NM_004655.4(AXIN2):c.1303C>T (p.Pro435Ser)

Gene: AXIN2 (axin 2; minus strand). Cytogenetic location: 17q24.1.
Variant type: single nucleotide variant.
Coding change: c.1303C>T on transcript NM_004655.4 (MANE Select); coding-DNA position 1303, C replaced by T.
Protein change: p.Pro435Ser; replaces proline 435 with serine.
Molecular consequence: missense variant.
Genome position (GRCh38, 1-based): chr17:65,537,733, G>A on the plus strand (C>T on the coding strand, the complement: AXIN2 is on the minus strand). VCF-style: chr17-65537733-G-A. GRCh37 (hg19) VCF-style: chr17-63533851-G-A.
Other names: c.1303C>T (LRG_296t1); c.1303C>T, p.Pro435Ser (NM_001363813.1); short protein forms P435S.
Identifiers: ClinVar variation 653994 (VCV000653994.7), dbSNP rs1451720453, ClinGen allele CA400677776.

ClinVar aggregate classification (germline): Uncertain significance. Review status: criteria provided, multiple submitters, no conflicts (2 of 4 stars). 2 submissions from 2 submitters: Uncertain significance (2). Last evaluated 2025-10-30.

Conditions:
Oligodontia-cancer predisposition syndrome. Also called: TOOTH AGENESIS-COLORECTAL CANCER SYNDROME. Identifiers: Orphanet 300576, MedGen C1837750, MONDO:0012075, OMIM 608615. Disease mechanism: loss of function.
Hereditary cancer-predisposing syndrome. Also called: Neoplastic Syndromes, Hereditary; Tumor predisposition; Hereditary Cancer Syndrome; Hereditary neoplastic syndrome. Identifiers: Orphanet 140162, MedGen C0027672, MeSH D009386, MONDO:0015356.

Allele frequency attached by ClinVar (database versions not stated): TOPMed below 0.00001; gnomAD 0.00001; gnomAD exomes 0.00001.
gnomAD v4.1: 8 of 1,565,032 alleles (0.00051%); highest among the groups gnomAD compares: Non-Finnish European, 0.00061%; no homozygotes.

Submissions (2):

Ambry Genetics
Classification: Uncertain significance for Hereditary cancer-predisposing syndrome. Last evaluated: 2025-10-30. Review status: criteria provided, single submitter. Criteria: Ambry Variant Classification Scheme 2023. Collection method: clinical testing. Allele origin: germline.
Comment: The p.P435S variant (also known as c.1303C>T), located in coding exon 5 of the AXIN2 gene, results from a C to T substitution at nucleotide position 1303. The proline at codon 435 is replaced by serine, an amino acid with similar properties. This amino acid position is conserved. In addition, the in silico prediction for this alteration is inconclusive. Based on the available evidence, the clinical significance of this variant remains unclear.

Labcorp Genetics (formerly Invitae), Labcorp
Classification: Uncertain significance for Oligodontia-cancer predisposition syndrome. Last evaluated: 2024-04-16. Review status: criteria provided, single submitter. Criteria: Invitae Variant Classification Sherloc (09022015). Collection method: clinical testing. Allele origin: germline.
Comment: This sequence change replaces proline, which is neutral and non-polar, with serine, which is neutral and polar, at codon 435 of the AXIN2 protein (p.Pro435Ser). This variant is not present in population databases (gnomAD no frequency). This variant has not been reported in the literature in individuals affected with AXIN2-related conditions. ClinVar contains an entry for this variant (Variation ID: 653994). Advanced modeling of protein sequence and biophysical properties (such as structural, functional, and spatial information, amino acid conservation, physicochemical variation, residue mobility, and thermodynamic stability) performed at Invitae indicates that this missense variant is expected to disrupt AXIN2 protein function with a positive predictive value of 80%. In summary, the available evidence is currently insufficient to determine the role of this variant in disease. Therefore, it has been classified as a Variant of Uncertain Significance.